The following is an entry in ClinVar:

NM_194248.3(OTOF):c.3918G>C (p.Lys1306Asn)

Gene: OTOF (otoferlin; minus strand). Cytogenetic location: 2p23.3.
Variant type: single nucleotide variant.
Coding change: c.3918G>C on transcript NM_194248.3 (MANE Select); coding-DNA position 3918, G replaced by C.
Protein change: p.Lys1306Asn; replaces lysine 1306 with asparagine.
Molecular consequence: missense variant.
Genome position (GRCh38, 1-based): chr2:26,470,698, C>G on the plus strand (G>C on the coding strand, the complement: OTOF is on the minus strand). VCF-style: chr2-26470698-C-G. GRCh37 (hg19) VCF-style: chr2-26693566-C-G.
Other names: c.3918G>C, p.Lys1306Asn (NM_001287489.2); c.1617G>C, p.Lys539Asn (NM_004802.4, NM_194323.3); c.1848G>C, p.Lys616Asn (NM_194322.3); short protein forms K1306N, K539N, K616N.
Identifiers: ClinVar variation 229077 (VCV000229077.14), dbSNP rs774929350, ClinGen allele CA1563357.

ClinVar aggregate classification (germline): Uncertain significance. Review status: criteria provided, multiple submitters, no conflicts (2 of 4 stars). 6 submissions from 6 submitters: Uncertain significance (5). 1 of the submissions does not count toward it. Last evaluated 2024-03-08.

Conditions:
OTOF-related disorder. Also called: OTOF-related condition.
Autosomal recessive nonsyndromic hearing loss 9. Also called: Deafness, autosomal recessive 9; NEUROSENSORY NONSYNDROMIC RECESSIVE DEAFNESS 9; AUDITORY NEUROPATHY, AUTOSOMAL RECESSIVE, 1, TEMPERATURE-SENSITIVE; OTOF-Related Hearing Loss. Identifiers: Orphanet 90636, MedGen C1832828, MONDO:0010986, OMIM 601071.

Allele frequency attached by ClinVar (database versions not stated): ExAC 0.00001; gnomAD 0.00001; gnomAD exomes 0.00002 and 0.00003; TOPMed 0.00002.
gnomAD v4.1: 41 of 1,613,746 alleles (0.0025%); highest among the groups gnomAD compares: Middle Eastern, 0.46%; 2 homozygotes.

Submissions (6):

Blueprint Genetics
Classification: Uncertain significance. Last evaluated: 2024-03-08. Review status: criteria provided, single submitter. Criteria: ACMG Guidelines, 2015. Collection method: clinical testing. Allele origin: germline.

Baylor Genetics
Classification: Uncertain significance for Autosomal recessive nonsyndromic hearing loss 9. Last evaluated: 2020-06-08. Review status: criteria provided, single submitter. Criteria: ACMG Guidelines, 2015. Collection method: clinical testing. Allele origin: unknown. Affected: yes.
Comment: This variant was determined to be of uncertain significance according to ACMG Guidelines, 2015 [PMID:25741868].

Laboratory for Molecular Medicine, Mass General Brigham Personalized Medicine
Classification: Uncertain significance. Last evaluated: 2018-05-18. Review status: criteria provided, single submitter. Criteria: LMM Criteria. Collection method: clinical testing. Allele origin: germline. Observed: 2 variant alleles.
Comment: This variant has bee n identified in 4/110706 of European chromosomes by the Genome Aggregation Datab ase (gnomAD; dbSNP rs774929350), and has been reported in ClinVar (Variant ID:229077). Although this variant has been seen in the general population, its frequency is not high enough to rule out a pathogeni c role. Computational prediction tools and conservation analysis suggest that th is variant may not impact the protein, though this information is not predictive enough to rule out pathogenicity. In summary, the clinical significance of the p.Lys1306Asn variant is uncertain. ACMG/AMP criteria applied: BP4, PM2_Supportin g.

Illumina Laboratory Services, Illumina
Classification: Uncertain significance for Autosomal recessive nonsyndromic hearing loss 9. Last evaluated: 2018-01-12. Review status: criteria provided, single submitter. Criteria: ICSL Variant Classification Criteria 13 December 2019. Collection method: clinical testing. Allele origin: germline.

Breakthrough Genomics
Classification: Uncertain significance. Review status: criteria provided, single submitter. Criteria: ACMG Guidelines, 2015. Collection method: not provided. Allele origin: germline. Inheritance: Autosomal recessive inheritance. Affected: yes.

PreventionGenetics, part of Exact Sciences
Classification: Uncertain significance for OTOF-related condition. Last evaluated: 2024-03-21. Review status: no assertion criteria provided. Collection method: clinical testing. Allele origin: germline. Not counted in ClinVar's aggregate classification.
Comment: The OTOF c.3918G>C variant is predicted to result in the amino acid substitution p.Lys1306Asn. This variant has been observed in heterozygous state in patient with non-syndromic hearing loss (Table S2, Almontashiri et al. 2018. PMID: 29048421). An alternative substitution at the same amino acid position (p.Lys1306Thr) has been observed in compound heterozygous state in an individual with hearing loss, however this individual had also two compound heterozygous variant in gene CDH23 (Table 1, Adeyemo et al. 2022. PubMed ID: 34837038). This variant is reported in 0.0044% of alleles in individuals of European (Non-Finnish) descent in gnomAD. At this time, the clinical significance of this variant is uncertain due to the absence of conclusive functional and genetic evidence.